The following is an entry in ClinVar:

ClinVar aggregate classification (germline): Uncertain significance (1 of 4 stars; one submission).

Conditions:
Ullrich congenital muscular dystrophy 1A. Also called: Ullrich congenital muscular dystrophy 1; Intermediate COL6-RD. Identifiers: Orphanet 75840, MedGen C0410179, MONDO:0009681, OMIM 254090.

gnomAD v4.1: 5 of 1,613,004 alleles (0.00031%); highest among the groups gnomAD compares: African/African-American, 0.0013%; no homozygotes.

Submission:

Foundation for Research in Genetics and Endocrinology, FRIGE's Institute of Human Genetics
Classification: Uncertain significance for Ullrich congenital muscular dystrophy 1A. Last evaluated: 2023-12-22. Review status: criteria provided, single submitter. Criteria: ACMG Guidelines, 2015. Collection method: clinical testing. Allele origin: germline. Inheritance: Autosomal dominant inheritance. Affected: yes. Observed: 1 heterozygote.
Comment: A heterozygous variant in exon 26 of the COL6A2 gene that results in the amino acid substitution of Histidine for Asparagine at codon 712 was detected. The observed variant c.2134G>C (p.Asn712His) has not been reported in the 1000 genomes and gnomAD databases. The in silico prediction of the variant is disease causing by PolyPhen-2, MutationTaster, SIFT, CADD and REVEL. The reference codon is conserved across species. In summary, the variant meets our criteria to be classified as variant of uncertain significance.

NM_001849.4(COL6A2):c.2134G>C (p.Asp712His)

Gene: COL6A2 (collagen type VI alpha 2 chain; plus strand). Cytogenetic location: 21q22.3.
Variant type: single nucleotide variant.
Coding change: c.2134G>C on transcript NM_001849.4 (MANE Select); coding-DNA position 2134, G replaced by C.
Protein change: p.Asp712His; replaces aspartic acid 712 with histidine.
Molecular consequence: missense variant.
Genome position (GRCh38, 1-based): chr21:46,125,949, G>C. VCF-style: chr21-46125949-G-C. GRCh37 (hg19) VCF-style: chr21-47545863-G-C.
Other names: p.Asp712His; c.2134G>C, p.Asp712His (NM_058174.3, NM_058175.3); short protein forms D712H.
Identifiers: ClinVar variation 2683839 (VCV002683839.1), dbSNP rs375608173, ClinGen allele CA410541685.